The following is an entry in ClinVar:

NM_004006.3(DMD):c.9224+9G>T

Gene: DMD (dystrophin; minus strand). Cytogenetic location: Xp21.2.
Variant type: single nucleotide variant.
Coding change: c.9224+9G>T on transcript NM_004006.3 (MANE Select); 9 bases into the intron after coding-DNA position 9224, G replaced by T.
Molecular consequence: intron variant.
Genome position (GRCh38, 1-based): chrX:31,323,589, C>A on the plus strand (G>T on the coding strand, the complement: DMD is on the minus strand). VCF-style: chrX-31323589-C-A. GRCh37 (hg19) VCF-style: chrX-31341706-C-A.
Other names: c.9200+9G>T (NM_000109.4); c.5201+9G>T (NM_004011.4); c.5192+9G>T (NM_004012.4); c.1844+9G>T (NM_004023.3, NM_004020.4, NM_004022.3 and 2 more transcripts); c.1037+9G>T (NM_004014.3); c.9212+9G>T (NM_004009.3); c.8855+9G>T (NM_004010.3).
Identifiers: ClinVar variation 4724045 (VCV004724045.1).

ClinVar aggregate classification (germline): Uncertain significance (1 of 4 stars; one submission).

Conditions:
Duchenne muscular dystrophy (DMD). Also called: MUSCULAR DYSTROPHY, PSEUDOHYPERTROPHIC PROGRESSIVE, DUCHENNE TYPE; Duchenne Muscular Dystrophy (DMD). Identifiers: Orphanet 98896, MedGen C0013264, MONDO:0010679, OMIM 310200.

Submission:

Labcorp Genetics (formerly Invitae), Labcorp
Classification: Uncertain significance for Duchenne muscular dystrophy. Last evaluated: 2025-08-04. Review status: criteria provided, single submitter. Criteria: Invitae Variant Classification Sherloc (09022015). Collection method: clinical testing. Allele origin: germline.
Comment: This sequence change falls in intron 62 of the DMD gene. It does not directly change the encoded amino acid sequence of the DMD protein. This variant is not present in population databases (gnomAD no frequency). This variant has not been reported in the literature in individuals affected with DMD-related conditions. Algorithms developed to predict the effect of sequence changes on RNA splicing suggest that this variant may create or strengthen a splice site. In summary, the available evidence is currently insufficient to determine the role of this variant in disease. Therefore, it has been classified as a Variant of Uncertain Significance.